The following is an entry in ClinVar:

NM_005591.4(MRE11):c.754G>C (p.Ala252Pro)

Gene: MRE11 (MRE11 double strand break repair nuclease; minus strand). Cytogenetic location: 11q21.
Variant type: single nucleotide variant.
Coding change: c.754G>C on transcript NM_005591.4 (MANE Select); coding-DNA position 754, G replaced by C.
Protein change: p.Ala252Pro; replaces alanine 252 with proline.
Molecular consequence: missense variant.
Genome position (GRCh38, 1-based): chr11:94,471,665, C>G on the plus strand (G>C on the coding strand, the complement: MRE11 is on the minus strand). VCF-style: chr11-94471665-C-G. GRCh37 (hg19) VCF-style: chr11-94204831-C-G.
Other names: c.754G>C, p.Ala252Pro (NM_001330347.2, NM_005590.4); short protein forms A252P.
Identifiers: ClinVar variation 1799994 (VCV001799994.2), dbSNP rs2135047017, ClinGen allele CA382375747.

ClinVar aggregate classification (germline): Uncertain significance (1 of 4 stars; one submission).

Conditions:
Hereditary cancer-predisposing syndrome. Also called: Neoplastic Syndromes, Hereditary; Tumor predisposition; Hereditary Cancer Syndrome; Hereditary neoplastic syndrome. Identifiers: Orphanet 140162, MedGen C0027672, MeSH D009386, MONDO:0015356.

Submission:

Ambry Genetics
Classification: Uncertain significance for Hereditary cancer-predisposing syndrome. Last evaluated: 2022-02-26. Review status: criteria provided, single submitter. Criteria: Ambry Variant Classification Scheme 2023. Collection method: clinical testing. Allele origin: germline.
Comment: The p.A252P variant (also known as c.754G>C), located in coding exon 7 of the MRE11A gene, results from a G to C substitution at nucleotide position 754. The alanine at codon 252 is replaced by proline, an amino acid with highly similar properties. This amino acid position is conserved. In addition, the in silico prediction for this alteration is inconclusive. Since supporting evidence is limited at this time, the clinical significance of this alteration remains unclear.